The following is an entry in ClinVar:

ClinVar aggregate classification (germline): Uncertain significance (1 of 4 stars; one submission).

Allele frequency attached by ClinVar (database versions not stated): ExAC 0.00002; TOPMed 0.00004; gnomAD 0.00005; gnomAD exomes 0.00005; ESP Exome Variant Server 0.00008.
gnomAD v4.1: 78 of 1,613,946 alleles (0.0048%); highest among the groups gnomAD compares: African/African-American, 0.011%; no homozygotes.

Submissions (2):

Labcorp Genetics (formerly Invitae), Labcorp
Classification: Uncertain significance. Last evaluated: 2025-09-03. Review status: criteria provided, single submitter. Criteria: Invitae Variant Classification Sherloc (09022015). Collection method: clinical testing. Allele origin: germline.
Comment: This sequence change replaces glutamine, which is neutral and polar, with glutamic acid, which is acidic and polar, at codon 1232 of the KANK1 protein (p.Gln1232Glu). This variant is present in population databases (rs377603639, gnomAD 0.006%). This variant has not been reported in the literature in individuals affected with KANK1-related conditions. ClinVar contains an entry for this variant (Variation ID: 2168714). An algorithm developed to predict the effect of missense changes on protein structure and function (PolyPhen-2) suggests that this variant is likely to be disruptive. In summary, the available evidence is currently insufficient to determine the role of this variant in disease. Therefore, it has been classified as a Variant of Uncertain Significance.

Dr. Peter K. Rogan Lab, Western University
No classification provided (evidence only). Condition: Sarcoma. Review status: no classification provided. Collection method: in vitro. Allele origin: not applicable. Functional consequence: retained intron. Not counted in ClinVar's aggregate classification.

NM_015158.5(KANK1):c.3694C>G (p.Gln1232Glu)

Gene: KANK1 (KN motif and ankyrin repeat domains 1; plus strand). Cytogenetic location: 9p24.3.
Variant type: single nucleotide variant.
Coding change: c.3694C>G on transcript NM_015158.5 (MANE Select); coding-DNA position 3694, C replaced by G.
Protein change: p.Gln1232Glu; replaces glutamine 1232 with glutamic acid.
Molecular consequence: missense variant. On other transcripts: non-coding transcript variant (1).
Genome position (GRCh38, 1-based): chr9:740,932, C>G. VCF-style: chr9-740932-C-G. GRCh37 (hg19) VCF-style: chr9-740932-C-G.
Other names: c.3694C>G, p.Gln1232Glu (NM_001256876.3, NM_001256877.3, NM_001354334.2); c.3454C>G, p.Gln1152Glu (NM_001354331.2); c.3640C>G, p.Gln1214Glu (NM_001354332.2); c.3220C>G, p.Gln1074Glu (NM_001354333.2, NM_001354335.2, NM_001354337.2 and 2 more transcripts); c.2926C>G, p.Gln976Glu (NM_001354336.2); c.3166C>G, p.Gln1056Glu (NM_001354338.2, NM_001354340.2, NM_001354344.2); c.2980C>G, p.Gln994Glu (NM_001354339.2, NM_001354342.2, NM_001354343.2); short protein forms Q1074E, Q1152E, Q1214E, Q1232E, Q994E, Q1056E, Q976E.
Identifiers: ClinVar variation 2168714 (VCV002168714.5), dbSNP rs377603639, ClinGen allele CA4961097.